The following is an entry in ClinVar:

NM_000173.7(GP1BA):c.1094_1101del (p.Leu365fs)

Gene: GP1BA (glycoprotein Ib platelet subunit alpha; plus strand). Cytogenetic location: 17p13.2.
Variant type: Deletion.
Coding change: c.1094_1101del on transcript NM_000173.7 (MANE Select); coding-DNA positions 1094 to 1101, 8 bases deleted (TTCACATG; older notation c.1094_1101delTTCACATG).
Protein change: p.Leu365fs; shifts the reading frame from leucine 365.
Molecular consequence: frameshift variant.
Genome position (GRCh38, 1-based): chr17:4,933,698-4,933,705, TTCACATG deleted. VCF-style (leftmost placement, unchanged base first): chr17-4933697-CTTCACATG-C. GRCh37 (hg19) VCF-style: chr17-4836992-CTTCACATG-C.
Other names: NM_000173.7:c.1094_1101del; short protein forms L365fs.
Identifiers: ClinVar variation 4539000 (VCV004539000.1).
Genomic context (GRCh38, chr17:4,933,697, plus strand): 5'-ACACAAGAATCCACTAAGGAGCAGACCACATTCCCACCTAGATGGACCCCAAATTTCACA[CTTCACATG>C]GAATCCATCACATTCTCCAAAACTCCAAAATCCACTACTGAACCAACCCCAAGCCCGACC-3'

ClinVar aggregate classification (germline): Likely pathogenic (3 of 4 stars; one submission).

Conditions:
Bernard Soulier syndrome (BSS). Also called: GLYCOPROTEIN Ib, PLATELET, DEFICIENCY OF; PLATELET GLYCOPROTEIN Ib DEFICIENCY; VON WILLEBRAND FACTOR RECEPTOR DEFICIENCY; Giant platelet syndrome; Hemorrhagiparous thrombocytic dystrophy; Giant platelet disease. Identifiers: Orphanet 274, MedGen C0005129, MeSH D001606, MONDO:0009276, OMIM 231200.

Submission:

ClinGen Platelet Disorders Variant Curation Expert Panel, ClinGen
Classification: Likely pathogenic for Bernard Soulier syndrome. Last evaluated: 2025-12-16. Review status: reviewed by expert panel. Criteria: ClinGen Platelet ACMG Specifications GP1BA V1.0.0. Collection method: curation. Allele origin: germline. Inheritance: Autosomal recessive inheritance.
Comment: The c.1094_1101del (p.Leu365ArgfsTer14) variant in GP1BA is a frameshift variant that may cause loss of function of the protein, however it is predicted to escape nonsense mediated decay and remove >10%) of the protein (PVS1_Strong). At least one patient (Patient 1 in PMID: 19448529) with this variant had aggregation absent for ristocetin and present for all other agonists as well as less than 10% expression of GPIba measured by flow cytometry and Western blot, which is highly specific for Bernard-Soulier syndrome. Additionally, the patient had excessive mucocutaneous bleeding and macrothrombocytopenia which are consistent with Bernard-Soulier syndrome (PP4). This variant is absent from gnomAD v4.1.0 (PM2_Supporting). In summary, this variant meets the criteria to be classified as Likely Pathogenic for autosomal recessive Bernard-Soulier syndrome based on the ACMG/AMP criteria applied, as specified by the ClinGen PD VCEP: PVS1_Strong, PP4, PM3_Supporting, and PM2_Supporting (VCEP specifications version 1).